The following is an entry in ClinVar:

NM_022489.4(INF2):c.2139-3C>T

Gene: INF2 (inverted formin 2; plus strand). Cytogenetic location: 14q32.33.
Variant type: single nucleotide variant.
Coding change: c.2139-3C>T on transcript NM_022489.4 (MANE Select); 3 bases into the intron before coding-DNA position 2139, C replaced by T.
Molecular consequence: intron variant.
Genome position (GRCh38, 1-based): chr14:104,710,085, C>T. VCF-style: chr14-104710085-C-T. GRCh37 (hg19) VCF-style: chr14-105176422-C-T.
Other names: c.2139-3C>T (NM_001426864.1, NM_001426862.1, NM_001031714.4 and 2 more transcripts).
Identifiers: ClinVar variation 3759501 (VCV003759501.2).

ClinVar aggregate classification (germline): Uncertain significance (1 of 4 stars; one submission).

Conditions:
Focal segmental glomerulosclerosis 5 (FSGS5). Identifiers: Orphanet 656, MedGen C2750475, MONDO:0013191, OMIM 613237.
Charcot-Marie-Tooth disease dominant intermediate E. Also called: CHARCOT-MARIE-TOOTH NEUROPATHY WITH FOCAL SEGMENTAL GLOMERULONEPHRITIS. Identifiers: Orphanet 93114, MedGen C4302667, MONDO:0013758, OMIM 614455.

gnomAD v4.1: 3 of 1,549,756 alleles (0.00019%); highest among the groups gnomAD compares: Admixed American, 0.0059%; no homozygotes.

Submission:

Labcorp Genetics (formerly Invitae), Labcorp
Classification: Uncertain significance for Charcot-Marie-Tooth disease dominant intermediate E; Focal segmental glomerulosclerosis 5. Last evaluated: 2024-06-30. Review status: criteria provided, single submitter. Criteria: Invitae Variant Classification Sherloc (09022015). Collection method: clinical testing. Allele origin: germline.
Comment: This sequence change falls in intron 12 of the INF2 gene. It does not directly change the encoded amino acid sequence of the INF2 protein. It affects a nucleotide within the consensus splice site. This variant is not present in population databases (gnomAD no frequency). This variant has not been reported in the literature in individuals affected with INF2-related conditions. Variants that disrupt the consensus splice site are a relatively common cause of aberrant splicing (PMID: 17576681, 9536098). Algorithms developed to predict the effect of sequence changes on RNA splicing suggest that this variant is not likely to affect RNA splicing. In summary, the available evidence is currently insufficient to determine the role of this variant in disease. Therefore, it has been classified as a Variant of Uncertain Significance.

Literature cited by the submitters: PubMed 17576681; PubMed 9536098.